The following is an entry in ClinVar:

ClinVar aggregate classification (germline): Uncertain significance. Review status: criteria provided, multiple submitters, no conflicts (2 of 4 stars). 4 submissions from 4 submitters: Uncertain significance (4). Last evaluated 2025-12-08.

Conditions:
Hereditary cancer-predisposing syndrome. Also called: Hereditary Cancer Syndrome; Hereditary neoplastic syndrome; Neoplastic Syndromes, Hereditary; Tumor predisposition. Identifiers: Orphanet 140162, MedGen C0027672, MeSH D009386, MONDO:0015356.
Familial colorectal cancer. Identifiers: MedGen CN280943, MONDO:0023113. Disease mechanism: loss of function.

Allele frequency attached by ClinVar (database versions not stated): gnomAD 0.00001; gnomAD exomes 0.00001 and 0.00003; ExAC 0.00002; 1000 Genomes Project 30x 0.00016; 1000 Genomes Project 0.00020.
gnomAD v4.1: 38 of 1,613,930 alleles (0.0024%); highest among the groups gnomAD compares: Non-Finnish European, 0.0032%; no homozygotes.

Submissions (4):

Labcorp Genetics (formerly Invitae), Labcorp
Classification: Uncertain significance. Last evaluated: 2025-12-08. Review status: criteria provided, single submitter. Criteria: Invitae Variant Classification Sherloc (09022015). Collection method: clinical testing. Allele origin: germline.
Comment: This sequence change replaces leucine, which is neutral and non-polar, with valine, which is neutral and non-polar, at codon 1859 of the POLE protein (p.Leu1859Val). This variant is present in population databases (rs184253572, gnomAD 0.002%). This missense change has been observed in individual(s) with breast cancer (PMID: 35264596). ClinVar contains an entry for this variant (Variation ID: 405601). Invitae Evidence Modeling of protein sequence and biophysical properties (such as structural, functional, and spatial information, amino acid conservation, physicochemical variation, residue mobility, and thermodynamic stability) indicates that this missense variant is not expected to disrupt POLE protein function with a negative predictive value of 80%. In summary, the available evidence is currently insufficient to determine the role of this variant in disease. Therefore, it has been classified as a Variant of Uncertain Significance.

Ambry Genetics
Classification: Uncertain significance for Hereditary cancer-predisposing syndrome. Last evaluated: 2025-03-24. Review status: criteria provided, single submitter. Criteria: Ambry Variant Classification Scheme 2023. Collection method: clinical testing. Allele origin: germline.
Comment: The p.L1859V variant (also known as c.5575C>G), located in coding exon 41 of the POLE gene, results from a C to G substitution at nucleotide position 5575. The leucine at codon 1859 is replaced by valine, an amino acid with highly similar properties. This amino acid position is conserved. In addition, the in silico prediction for this alteration is inconclusive. Based on the available evidence, the clinical significance of this variant remains unclear.

GeneDx
Classification: Uncertain significance. Last evaluated: 2022-11-03. Review status: criteria provided, single submitter. Criteria: GeneDx Variant Classification Process June 2021. Collection method: clinical testing. Allele origin: germline. Affected: yes.
Comment: Not observed at significant frequency in large population cohorts (gnomAD); In silico analysis supports that this missense variant has a deleterious effect on protein structure/function; Has not been previously published as pathogenic or benign to our knowledge

Mendelics
Classification: Uncertain significance for Familial colorectal cancer. Last evaluated: 2018-07-02. Review status: criteria provided, single submitter. Criteria: Mendelics Assertion Criteria 2017. Collection method: clinical testing. Allele origin: unknown.

Literature cited by the submitters: PubMed 35264596 (cited by Labcorp Genetics (formerly Invitae), Labcorp).

NM_006231.4(POLE):c.5575C>G (p.Leu1859Val)

Gene: POLE (DNA polymerase epsilon, catalytic subunit; minus strand). Cytogenetic location: 12q24.33.
Variant type: single nucleotide variant.
Coding change: c.5575C>G on transcript NM_006231.4 (MANE Select); coding-DNA position 5575, C replaced by G.
Protein change: p.Leu1859Val; replaces leucine 1859 with valine.
Molecular consequence: missense variant.
Genome position (GRCh38, 1-based): chr12:132,638,117, G>C on the plus strand (C>G on the coding strand, the complement: POLE is on the minus strand). VCF-style: chr12-132638117-G-C. GRCh37 (hg19) VCF-style: chr12-133214703-G-C.
Other names: short protein forms L1859V.
Identifiers: ClinVar variation 405601 (VCV000405601.14), dbSNP rs184253572, ClinGen allele CA6892468.